The following is an entry in ClinVar:

NM_001999.4(FBN2):c.1734G>C (p.Glu578Asp)

Gene: FBN2 (fibrillin 2; minus strand). Cytogenetic location: 5q23.3.
Variant type: single nucleotide variant.
Coding change: c.1734G>C on transcript NM_001999.4 (MANE Select); coding-DNA position 1734, G replaced by C.
Protein change: p.Glu578Asp; replaces glutamic acid 578 with aspartic acid.
Molecular consequence: missense variant.
Genome position (GRCh38, 1-based): chr5:128,377,867, C>G on the plus strand (G>C on the coding strand, the complement: FBN2 is on the minus strand). VCF-style: chr5-128377867-C-G. GRCh37 (hg19) VCF-style: chr5-127713560-C-G.
Other names: short protein forms E578D.
Identifiers: ClinVar variation 458736 (VCV000458736.17), dbSNP rs371046485, ClinGen allele CA3395726.

ClinVar aggregate classification (germline): Conflicting classifications of pathogenicity. Review status: criteria provided, conflicting classifications (1 of 4 stars). 6 submissions from 6 submitters: Uncertain significance (3); Likely benign (3). Last evaluated 2026-03-16.

Conditions:
Ehlers-Danlos syndrome (EDS). Identifiers: Orphanet 98249, MedGen C0013720, MONDO:0020066.
Familial thoracic aortic aneurysm and aortic dissection (TAAD). Also called: Thoracic aortic aneurysms and dissections. Identifiers: Orphanet 91387, MedGen C4707243, MONDO:0019625.
Congenital contractural arachnodactyly (CCA). Also called: Arthrogryposis, distal, type 9; BEALS SYNDROME; Beals-Hecht syndrome. Identifiers: Orphanet 115, MedGen C0220668, MONDO:0007363, OMIM 121050.

Allele frequency attached by ClinVar (database versions not stated): ExAC 0.00002; gnomAD 0.00002 and 0.00003; TOPMed 0.00004; gnomAD exomes 0.00005 and 0.00008; ESP Exome Variant Server 0.00008.
gnomAD v4.1: 127 of 1,613,166 alleles (0.0079%); highest among the groups gnomAD compares: Middle Eastern, 0.16%; no homozygotes.

Submissions (6):

Women's Health and Genetics/Laboratory Corporation of America, LabCorp
Classification: Likely benign. Last evaluated: 2026-03-16. Review status: criteria provided, single submitter. Criteria: LabCorp Variant Classification Summary - May 2015. Collection method: clinical testing. Allele origin: germline.
Comment: Variant summary: FBN2 c.1734G>C (p.Glu578Asp) results in a conservative amino acid change in the encoded protein sequence. Algorithms developed to predict the effect of missense changes on protein structure and function are either unavailable or do not agree on the potential impact of this missense change. The variant allele was found at a frequency of 4.8e-05 in 251010 control chromosomes. The observed variant frequency exceeds the estimated maximal expected allele frequency for disease-causing variants in FBN2. To our knowledge, no occurrence of c.1734G>C in individuals affected with FBN2-related conditions and no experimental evidence demonstrating its impact on protein function have been reported. The following publications have been ascertained in the context of this evaluation (PMID: 32518143, 26934577). ClinVar contains an entry for this variant (Variation ID: 458736). Based on the evidence outlined above, the variant was classified as likely benign.

Labcorp Genetics (formerly Invitae), Labcorp
Classification: Likely benign for Congenital contractural arachnodactyly. Last evaluated: 2025-12-24. Review status: criteria provided, single submitter. Criteria: Invitae Variant Classification Sherloc (09022015). Collection method: clinical testing. Allele origin: germline.

Ambry Genetics
Classification: Uncertain significance for Familial thoracic aortic aneurysm and aortic dissection. Last evaluated: 2025-01-04. Review status: criteria provided, single submitter. Criteria: Ambry Variant Classification Scheme 2023. Collection method: clinical testing. Allele origin: germline.
Comment: The p.E578D variant (also known as c.1734G>C), located in coding exon 13 of the FBN2 gene, results from a G to C substitution at nucleotide position 1734. The glutamic acid at codon 578 is replaced by aspartic acid, an amino acid with highly similar properties. This amino acid position is highly conserved in available vertebrate species. In addition, this alteration is predicted to be deleterious by in silico analysis. Based on the available evidence, the clinical significance of this variant remains unclear.

Blueprint Genetics
Classification: Likely benign. Last evaluated: 2024-04-16. Review status: criteria provided, single submitter. Criteria: ACMG Guidelines, 2015. Collection method: clinical testing. Allele origin: germline.

Genome Diagnostics Laboratory, The Hospital for Sick Children
Classification: Uncertain significance for Ehlers-Danlos syndrome. Last evaluated: 2022-06-10. Review status: criteria provided, single submitter. Criteria: ACMG Guidelines, 2015. Collection method: clinical testing. Allele origin: germline.

GeneDx
Classification: Uncertain significance. Last evaluated: 2020-12-23. Review status: criteria provided, single submitter. Criteria: GeneDx Variant Classification Process June 2021. Collection method: clinical testing. Allele origin: germline. Affected: yes.
Comment: Has not been previously published as pathogenic or benign to our knowledge; In silico analysis, which includes protein predictors and evolutionary conservation, supports a deleterious effect; Although located in a calcium-binding EGF-like domain of the FBN2 gene, it does not affect a cysteine residue within this domain; cysteine substitutions in the calcium-binding EGF-like domains represent the majority of pathogenic missense changes associated with FBN2 related disorders (Frederic et al., 2009); Reported in ClinVar as a variant of uncertain significance (ClinVar Variant ID# 458736; Landrum et al., 2016)

Literature cited by the submitters: PubMed 26934577 (cited by Women's Health and Genetics/Laboratory Corporation of America, LabCorp); PubMed 32518143 (cited by Women's Health and Genetics/Laboratory Corporation of America, LabCorp).